The following is an entry in ClinVar:

NM_014236.4(GNPAT):c.1482A>G (p.Leu494=)

Gene: GNPAT (glyceronephosphate O-acyltransferase; plus strand). Cytogenetic location: 1q42.2.
Variant type: single nucleotide variant.
Coding change: c.1482A>G on transcript NM_014236.4 (MANE Select); coding-DNA position 1482, A replaced by G.
Protein change: p.Leu494=; no amino-acid change (leucine 494 retained).
Molecular consequence: synonymous variant.
Genome position (GRCh38, 1-based): chr1:231,270,960, A>G. VCF-style: chr1-231270960-A-G. GRCh37 (hg19) VCF-style: chr1-231406706-A-G.
Other names: c.1299A>G, p.Leu433= (NM_001316350.2).
Identifiers: ClinVar variation 618667 (VCV000618667.17), dbSNP rs894887033, ClinGen allele CA1452033.
Genomic context (GRCh38, chr1:231,270,960, plus strand): 5'-TCTCCTCATGTGCTCAGCTTATAGGAACCAGCTGCTCAACATTTTTGTGCGCCCATCCTT[A>G]GTAGCAGTAGCATTGCAGATGACACCAGGGTTCAGGAAAGGTAATTTTCAGGAATGCAAT-3'
Protein context (NP_055051.1, residues 484-504): QLLNIFVRPS[Leu494=]VAVALQMTPG

ClinVar aggregate classification (germline): Likely benign. Review status: criteria provided, multiple submitters, no conflicts (2 of 4 stars). 3 submissions from 3 submitters: Likely benign (3). Last evaluated 2026-01-29.

Conditions:
Rhizomelic chondrodysplasia punctata type 2 (RCDP2). Also called: Glyceronephosphate O-acyltransferase deficiency; DIHYDROXYACETONEPHOSPHATE ACYLTRANSFERASE DEFICIENCY; PEROXISOMAL DIHYDROXYACETONEPHOSPHATE ACYLTRANSFERASE DEFICIENCY; DHAPAT DEFICIENCY; glyceronephosphate O-acyltransferase (GNPAT) deficiency; Chondrodysplasia punctata, rhizomelic, due to dihydroxyacetonephosphate acyltransferase deficiency. Identifiers: Orphanet 177, Orphanet 309796, MedGen C1857242, MONDO:0100273, OMIM 222765. Disease mechanism: loss of function.

Allele frequency attached by ClinVar (database versions not stated): ExAC 0.00016; gnomAD exomes 0.00020 and 0.00004; gnomAD 0.00004; TOPMed 0.00011.

Submissions (3):

Labcorp Genetics (formerly Invitae), Labcorp
Classification: Likely benign. Last evaluated: 2026-01-29. Review status: criteria provided, single submitter. Criteria: Invitae Variant Classification Sherloc (09022015). Collection method: clinical testing. Allele origin: germline.

ARUP Laboratories, Molecular Genetics and Genomics, ARUP Laboratories
Classification: Likely benign for Rhizomelic chondrodysplasia punctata type 2. Last evaluated: 2023-10-26. Review status: criteria provided, single submitter. Criteria: ARUP Molecular Germline Variant Investigation Process 2024. Collection method: clinical testing. Allele origin: germline.

GeneDx
Classification: Likely benign. Last evaluated: 2018-05-22. Review status: criteria provided, single submitter. Criteria: GeneDx Variant Classification (06012015). Collection method: clinical testing. Allele origin: germline. Affected: yes.
Comment: This variant is considered likely benign or benign based on one or more of the following criteria: it is a conservative change, it occurs at a poorly conserved position in the protein, it is predicted to be benign by multiple in silico algorithms, and/or has population frequency not consistent with disease.